The following is an entry in ClinVar:

NM_006258.4(PRKG1):c.1466A>C (p.Tyr489Ser)

Gene: PRKG1 (protein kinase cGMP-dependent 1; plus strand). Cytogenetic location: 10q21.1.
Variant type: single nucleotide variant.
Coding change: c.1466A>C on transcript NM_006258.4 (MANE Select); coding-DNA position 1466, A replaced by C.
Protein change: p.Tyr489Ser; replaces tyrosine 489 with serine.
Molecular consequence: missense variant.
Genome position (GRCh38, 1-based): chr10:52,280,851, A>C. VCF-style: chr10-52280851-A-C. GRCh37 (hg19) VCF-style: chr10-54040611-A-C.
Other names: c.1421A>C, p.Tyr474Ser (NM_001098512.3); c.257A>C, p.Tyr86Ser (NM_001374781.1); short protein forms Y474S, Y489S, Y86S.
Identifiers: ClinVar variation 3648364 (VCV003648364.2).

ClinVar aggregate classification (germline): Uncertain significance (1 of 4 stars; one submission).

Conditions:
Aortic aneurysm, familial thoracic 8 (AAT8). Identifiers: MedGen C3809513, MONDO:0014187, OMIM 615436.

Submission:

Labcorp Genetics (formerly Invitae), Labcorp
Classification: Uncertain significance for Aortic aneurysm, familial thoracic 8. Last evaluated: 2024-04-01. Review status: criteria provided, single submitter. Criteria: Invitae Variant Classification Sherloc (09022015). Collection method: clinical testing. Allele origin: germline.
Comment: This sequence change replaces tyrosine, which is neutral and polar, with serine, which is neutral and polar, at codon 489 of the PRKG1 protein (p.Tyr489Ser). This variant is not present in population databases (gnomAD no frequency). This variant has not been reported in the literature in individuals affected with PRKG1-related conditions. An algorithm developed to predict the effect of missense changes on protein structure and function (PolyPhen-2) suggests that this variant is likely to be disruptive. In summary, the available evidence is currently insufficient to determine the role of this variant in disease. Therefore, it has been classified as a Variant of Uncertain Significance.